The following is an entry in ClinVar:

NM_024675.4(PALB2):c.3324C>A (p.Tyr1108Ter)

Gene: PALB2 (partner and localizer of BRCA2; minus strand). Cytogenetic location: 16p12.2.
Variant type: single nucleotide variant.
Coding change: c.3324C>A on transcript NM_024675.4 (MANE Select); coding-DNA position 3324, C replaced by A.
Protein change: p.Tyr1108Ter; replaces tyrosine 1108 with a stop codon.
Molecular consequence: nonsense.
Genome position (GRCh38, 1-based): chr16:23,607,890, G>T on the plus strand (C>A on the coding strand, the complement: PALB2 is on the minus strand). VCF-style: chr16-23607890-G-T. GRCh37 (hg19) VCF-style: chr16-23619211-G-T.
Other names: short protein forms Y1108*.
Identifiers: ClinVar variation 450256 (VCV000450256.5), dbSNP rs1218512317, ClinGen allele CA395139372.
Genomic context (GRCh38, chr16:23,607,890, plus strand): 5'-TCCCACCCATAGAGTAGCAGTTATGCACACTTGCCTGCCAGCCTGCCCTGGAGGAAGACA[G>T]TACAGCATCACACCCACGCTGAGAGTCGTCTTAGGGTTAATCACAATGAGCTGAAACACA-3'

ClinVar aggregate classification (germline): Likely pathogenic. Review status: criteria provided, multiple submitters, no conflicts (2 of 4 stars). 2 submissions from 2 submitters: Likely pathogenic (2). Last evaluated 2025-10-01.

Conditions:
Hereditary cancer-predisposing syndrome. Also called: Neoplastic Syndromes, Hereditary; Hereditary neoplastic syndrome; Hereditary Cancer Syndrome; Tumor predisposition. Identifiers: Orphanet 140162, MedGen C0027672, MeSH D009386, MONDO:0015356.

gnomAD v4.1: 1 of 1,614,012 alleles (0.000062%); highest among the groups gnomAD compares: South Asian, 0.0011%; no homozygotes.

Submissions (2):

Ambry Genetics
Classification: Likely pathogenic for Hereditary cancer-predisposing syndrome. Last evaluated: 2025-10-01. Review status: criteria provided, single submitter. Criteria: Ambry Variant Classification Scheme 2023. Collection method: clinical testing. Allele origin: germline.
Comment: The p.Y1108* variant (also known as c.3324C>A), located in coding exon 12 of the PALB2 gene, results from a C to A substitution at nucleotide position 3324. This changes the amino acid from a tyrosine to a stop codon within coding exon 12. This alteration occurs at the 3' terminus of thePALB2 gene, is not expected to trigger nonsense-mediated mRNA decay, and only impacts the last 79 amino acids of the protein. However, premature stop codons are typically deleterious in nature and a significant portion of the protein is affected (Ambry internal data). This variant is considered to be rare based on population cohorts in the Genome Aggregation Database (gnomAD). Based on the majority of available evidence to date, this variant is likely to be pathogenic.

GeneDx
Classification: Likely pathogenic. Last evaluated: 2017-06-29. Review status: criteria provided, single submitter. Criteria: GeneDx Variant Classification (06012015). Collection method: clinical testing. Allele origin: germline. Affected: yes.
Comment: This variant is denoted PALB2 c.3324C>A at the cDNA level and p.Tyr1108Ter (Y1108X) at the proteinlevel. The substitution creates a nonsense variant, which changes a Tyrosine to a premature stop codon (TAC>TAA).Although this specific base change has not, to our knowledge, been reported in the literature, the variant c.3324C>G,which results in the same nonsense variant as c.3324C>A, has been observed in a case of hereditary breast cancer(Cybulski 2014). Due to the position of the variant, nonsense mediated decay is not expected to occur, but it mightcause loss of normal protein function through protein truncation. The disrupted region at the end of the gene is locatedwithin WD repeats 5-7, the region required for POLH DNA synthesis stimulation, and the region of interaction withPOLH, RAD51, and BRCA2 (UniProt). PALB2 Tyr1108Ter was not observed in large population cohorts (NHLBI ExomeSequencing Project, The 1000 Genomes Consortium 2015, Lek 2016). We consider PALB2 Tyr1108Ter to be likelypathogenic